The following is an entry in ClinVar:

ClinVar aggregate classification (germline): Likely benign. Review status: criteria provided, multiple submitters, no conflicts (2 of 4 stars). 2 submissions from 2 submitters: Likely benign (2). Last evaluated 2026-03-03.

Conditions:
Hereditary cancer-predisposing syndrome. Also called: Neoplastic Syndromes, Hereditary; Tumor predisposition; Hereditary Cancer Syndrome; Hereditary neoplastic syndrome. Identifiers: Orphanet 140162, MedGen C0027672, MeSH D009386, MONDO:0015356.

Submissions (2):

Ambry Genetics
Classification: Likely benign for Hereditary cancer-predisposing syndrome. Last evaluated: 2026-03-03. Review status: criteria provided, single submitter. Criteria: Ambry Variant Classification Scheme 2023. Collection method: clinical testing. Allele origin: germline.

CeGaT Center for Human Genetics Tuebingen
Classification: Likely benign. Last evaluated: 2025-08-01. Review status: criteria provided, single submitter. Criteria: CeGaT Center For Human Genetics Tuebingen Variant Classification Criteria Version 2. Collection method: clinical testing. Allele origin: germline. Affected: yes. Observed: 1 variant allele.
Comment: SUFU: PM2:Supporting, BP4, BP7

NM_016169.4(SUFU):c.885A>T (p.Thr295=)

Gene: SUFU (SUFU negative regulator of hedgehog signaling; plus strand). Cytogenetic location: 10q24.32.
Variant type: single nucleotide variant.
Coding change: c.885A>T on transcript NM_016169.4 (MANE Select); coding-DNA position 885, A replaced by T.
Protein change: p.Thr295=; no amino-acid change (threonine 295 retained).
Molecular consequence: synonymous variant.
Genome position (GRCh38, 1-based): chr10:102,597,268, A>T. VCF-style: chr10-102597268-A-T. GRCh37 (hg19) VCF-style: chr10-104357025-A-T.
Other names: c.885A>T, p.Thr295= (NM_001178133.2).
Identifiers: ClinVar variation 4084190 (VCV004084190.8).